The following is an entry in ClinVar:

NM_003073.5(SMARCB1):c.92A>G (p.Glu31Gly)

Gene: SMARCB1 (SWI/SNF related BAF chromatin remodeling complex subunit B1; plus strand). Cytogenetic location: 22q11.23.
Variant type: single nucleotide variant.
Coding change: c.92A>G on transcript NM_003073.5 (MANE Select); coding-DNA position 92, A replaced by G.
Protein change: p.Glu31Gly; replaces glutamic acid 31 with glycine.
Molecular consequence: missense variant.
Genome position (GRCh38, 1-based): chr22:23,787,261, A>G. VCF-style: chr22-23787261-A-G. GRCh37 (hg19) VCF-style: chr22-24129448-A-G.
Other names: c.92A>G, p.Glu31Gly (NM_001007468.3, NM_001317946.2, NM_001362877.2); short protein forms E31G.
Identifiers: ClinVar variation 2764125 (VCV002764125.3), dbSNP rs267607072, ClinGen allele CA410931038.

ClinVar aggregate classification (germline): Pathogenic (1 of 4 stars; one submission).

Submission:

Labcorp Genetics (formerly Invitae), Labcorp
Classification: Pathogenic. Last evaluated: 2024-04-08. Review status: criteria provided, single submitter. Criteria: Invitae Variant Classification Sherloc (09022015). Collection method: clinical testing. Allele origin: germline.
Comment: This sequence change replaces glutamic acid, which is acidic and polar, with glycine, which is neutral and non-polar, at codon 31 of the SMARCB1 protein (p.Glu31Gly). RNA analysis indicates that this missense change induces altered splicing and may result in an absent or disrupted protein product. This variant is not present in population databases (gnomAD no frequency). This missense change has been observed in individuals with schwannomatosis (PMID: 36363549; Invitae). An algorithm developed to predict the effect of missense changes on protein structure and function (PolyPhen-2) suggests that this variant is likely to be disruptive. Studies have shown that this missense change results in activation of a cryptic splice site and introduces a premature termination codon (Invitae). The resulting mRNA is expected to undergo nonsense-mediated decay. For these reasons, this variant has been classified as Pathogenic.

Literature cited by the submitters: PubMed 36363549.